The following is an entry in ClinVar:

NM_001009944.3(PKD1):c.9008C>T (p.Ala3003Val)

Gene: PKD1 (polycystin 1, transient receptor potential channel interacting; minus strand). Cytogenetic location: 16p13.3.
Variant type: single nucleotide variant.
Coding change: c.9008C>T on transcript NM_001009944.3 (MANE Select); coding-DNA position 9008, C replaced by T.
Protein change: p.Ala3003Val; replaces alanine 3003 with valine.
Molecular consequence: missense variant.
Genome position (GRCh38, 1-based): chr16:2,102,574, G>A on the plus strand (C>T on the coding strand, the complement: PKD1 is on the minus strand). VCF-style: chr16-2102574-G-A. GRCh37 (hg19) VCF-style: chr16-2152575-G-A.
Other names: c.9008C>T, p.Ala3003Val (NM_000296.4); short protein forms A3003V.
Identifiers: ClinVar variation 4981279 (VCV004981279.1).

ClinVar aggregate classification (germline): Uncertain significance (1 of 4 stars; one submission).

Conditions:
PKD1-related disorder. Also called: PKD1-related condition.

Submission:

PreventionGenetics, part of Exact Sciences
Classification: Uncertain significance for PKD1-related condition. Last evaluated: 2025-12-26. Review status: criteria provided, single submitter. Criteria: ACMG Guidelines, 2015. Collection method: clinical testing. Allele origin: germline.
Comment: The PKD1 c.9008C>T variant is predicted to result in the amino acid substitution p.Ala3003Val. To our knowledge, this variant has not been reported in the literature. This variant is reported in 0.033% of alleles in individuals of East Asian descent in gnomAD. Although we suspect that this variant may be benign, at this time, the clinical significance of this variant is uncertain due to the absence of conclusive functional and genetic evidence.